The following is an entry in ClinVar:

NM_003227.4(TFR2):c.1390+1G>C

Gene: TFR2 (transferrin receptor 2; minus strand). Cytogenetic location: 7q22.1.
Variant type: single nucleotide variant.
Coding change: c.1390+1G>C on transcript NM_003227.4 (MANE Select); the canonical splice donor site of the intron after coding-DNA position 1390, G replaced by C.
Molecular consequence: splice donor variant.
Genome position (GRCh38, 1-based): chr7:100,629,252, C>G on the plus strand (G>C on the coding strand, the complement: TFR2 is on the minus strand). VCF-style: chr7-100629252-C-G. GRCh37 (hg19) VCF-style: chr7-100226875-C-G.
Other names: c.877+1G>C (NM_001206855.3).
Identifiers: ClinVar variation 4062224 (VCV004062224.2).

ClinVar aggregate classification (germline): Likely pathogenic (1 of 4 stars; one submission).

Conditions:
Hemochromatosis type 3 (HFE3). Also called: HEMOCHROMATOSIS DUE TO DEFECT IN TRANSFERRIN RECEPTOR 2; Hereditary hemochromatosis type 3; TFR2-Related Hemochromatosis. Identifiers: Orphanet 225123, MedGen C1858664, MONDO:0011417, OMIM 604250.

Submission:

Natera, Inc.
Classification: Likely pathogenic for Hereditary hemochromatosis type 3. Last evaluated: 2025-01-16. Review status: criteria provided, single submitter. Criteria: Natera Variant Classification Schema (03/2026). Collection method: clinical testing. Allele origin: germline.
Comment: The c.1390+1G>C variant in TFR2 is a canonical splice donor site variant predicted to affect pre-mRNA splicing, which may result in an abnormal transcript and altered protein product. This variant is expected to result in nonsense mediated decay, truncation, or a dysfunctional protein product. This variant is rare in the general population with a frequency below the threshold expected for the associated phenotype(s). Given the available evidence, this variant is classified as Likely Pathogenic.